The following is an entry in ClinVar:

ClinVar aggregate classification (germline): Uncertain significance (1 of 4 stars; one submission).

Submission:

GeneDx
Classification: Uncertain significance. Last evaluated: 2023-05-14. Review status: criteria provided, single submitter. Criteria: GeneDx Variant Classification Process June 2021. Collection method: clinical testing. Allele origin: germline. Affected: yes.
Comment: Not observed at significant frequency in large population cohorts (gnomAD); Canonical splice site variant in a gene or region of a gene for which loss of function is not a well-established mechanism of disease; Has not been previously published as pathogenic or benign to our knowledge; Variants in candidate genes are classified as variants of uncertain significance in accordance with ACMG guidelines (Richards et al., 2015)

NM_032892.5(FRMD5):c.884+1G>A

Gene: FRMD5 (FERM domain containing 5; minus strand). Cytogenetic location: 15q15.3.
Variant type: single nucleotide variant.
Coding change: c.884+1G>A on transcript NM_032892.5 (MANE Select); the canonical splice donor site of the intron after coding-DNA position 884, G replaced by A.
Molecular consequence: splice donor variant.
Genome position (GRCh38, 1-based): chr15:43,888,174, C>T on the plus strand (G>A on the coding strand, the complement: FRMD5 is on the minus strand). VCF-style: chr15-43888174-C-T. GRCh37 (hg19) VCF-style: chr15-44180372-C-T.
Other names: c.779+1G>A (NM_001322951.2); c.884+1G>A (NM_001322949.2, NM_001411124.1, NM_001322950.2); c.182+1G>A (NM_001286491.2); c.602+1G>A (NM_001286490.2).
Identifiers: ClinVar variation 3343434 (VCV003343434.1).